The following is an entry in ClinVar:

ClinVar aggregate classification (germline): Likely benign. Review status: criteria provided, multiple submitters, no conflicts (2 of 4 stars). 2 submissions from 2 submitters: Likely benign (2). Last evaluated 2026-09-01.

Allele frequency attached by ClinVar (database versions not stated): gnomAD exomes below 0.00001 and 0.00001.
gnomAD v4.1: 7 of 1,614,188 alleles (0.00043%); highest among the groups gnomAD compares: South Asian, 0.0066%; no homozygotes.

Submissions (2):

CeGaT Center for Human Genetics Tuebingen
Classification: Likely benign. Last evaluated: 2026-09-01. Review status: criteria provided, single submitter. Criteria: CeGaT Center For Human Genetics Tuebingen Variant Classification Criteria Version 2. Collection method: clinical testing. Allele origin: germline. Affected: yes. Observed: 1 variant allele.
Comment: GFAP: BP4, BP7

Labcorp Genetics (formerly Invitae), Labcorp
Classification: Likely benign. Last evaluated: 2025-02-24. Review status: criteria provided, single submitter. Criteria: Invitae Variant Classification Sherloc (09022015). Collection method: clinical testing. Allele origin: germline.

NM_002055.5(GFAP):c.687A>G (p.Pro229=)

Gene: GFAP (glial fibrillary acidic protein; minus strand). Cytogenetic location: 17q21.31.
Variant type: single nucleotide variant.
Coding change: c.687A>G on transcript NM_002055.5 (MANE Select); coding-DNA position 687, A replaced by G.
Protein change: p.Pro229=; no amino-acid change (proline 229 retained).
Molecular consequence: synonymous variant.
Genome position (GRCh38, 1-based): chr17:44,913,362, T>C on the plus strand (A>G on the coding strand, the complement: GFAP is on the minus strand). VCF-style: chr17-44913362-T-C. GRCh37 (hg19) VCF-style: chr17-42990730-T-C.
Other names: c.687A>G, p.Pro229= (NM_001131019.3, NM_001242376.3, NM_001363846.2).
Identifiers: ClinVar variation 1649568 (VCV001649568.9), dbSNP rs1225139999, ClinGen allele CA399845802.
Genomic context (GRCh38, chr17:44,913,362, plus strand): 5'-GTTGCTGGACGCCATTGCCTCATACTGCGTGCGGATCTCTTTCAGGGCTGCGGTGAGGTC[T>C]GGCTTGGCCACGTCAAGCTCCACATGGACCTGCTGTCGGGCCAGCTGCTCCTGGAGTTCC-3'
Protein context (NP_002046.1, residues 219-239): QVHVELDVAK[Pro229=]DLTAALKEIR